The following is an entry in ClinVar:

ClinVar aggregate classification (germline): Uncertain significance (1 of 4 stars; one submission).

Conditions:
Amyotrophic lateral sclerosis type 1 (ALS1). Also called: AMYOTROPHIC LATERAL SCLEROSIS 1, FAMILIAL. Identifiers: Orphanet 803, MedGen C1862939, MONDO:0007103, OMIM 105400.
Neuronopathy, distal hereditary motor, type 7B. Also called: HMN VIIB; LOWER MOTOR NEURON DISEASE, DYNACTIN TYPE; NEURONOPATHY, DISTAL HEREDITARY MOTOR, AUTOSOMAL DOMINANT 14; NEURONOPATHY, DISTAL HEREDITARY MOTOR, HARDING TYPE VIIB; NEUROPATHY, DISTAL HEREDITARY MOTOR, HARDING TYPE VIIB; NEUROPATHY, DISTAL HEREDITARY MOTOR, WITH VOCAL CORD PARALYSIS, HARDING TYPE VIIB. Identifiers: Orphanet 139589, MedGen C1843315, MONDO:0011879, OMIM 607641.
Perry syndrome. Also called: PARKINSONISM WITH ALVEOLAR HYPOVENTILATION AND MENTAL DEPRESSION. Identifiers: Orphanet 178509, MedGen C1868594, MONDO:0008201, OMIM 168605.

gnomAD v4.1: 2 of 1,614,000 alleles (0.00012%); highest among the groups gnomAD compares: Admixed American, 0.0033%; no homozygotes.

Submission:

Labcorp Genetics (formerly Invitae), Labcorp
Classification: Uncertain significance for Amyotrophic lateral sclerosis type 1; Neuronopathy, distal hereditary motor, type 7B; Perry syndrome. Last evaluated: 2025-01-28. Review status: criteria provided, single submitter. Criteria: Invitae Variant Classification Sherloc (09022015). Collection method: clinical testing. Allele origin: germline.
Comment: This sequence change replaces histidine, which is basic and polar, with arginine, which is basic and polar, at codon 1130 of the DCTN1 protein (p.His1130Arg). This variant is present in population databases (no rsID available, gnomAD 0.003%). This variant has not been reported in the literature in individuals affected with DCTN1-related conditions. Invitae Evidence Modeling of protein sequence and biophysical properties (such as structural, functional, and spatial information, amino acid conservation, physicochemical variation, residue mobility, and thermodynamic stability) indicates that this missense variant is not expected to disrupt DCTN1 protein function with a negative predictive value of 95%. In summary, the available evidence is currently insufficient to determine the role of this variant in disease. Therefore, it has been classified as a Variant of Uncertain Significance.

NM_004082.5(DCTN1):c.3389A>G (p.His1130Arg)

Gene: DCTN1 (dynactin subunit 1; minus strand). Cytogenetic location: 2p13.1.
Variant type: single nucleotide variant.
Coding change: c.3389A>G on transcript NM_004082.5 (MANE Select); coding-DNA position 3389, A replaced by G.
Protein change: p.His1130Arg; replaces histidine 1130 with arginine.
Molecular consequence: missense variant. On other transcripts: non-coding transcript variant (1).
Genome position (GRCh38, 1-based): chr2:74,363,134, T>C on the plus strand (A>G on the coding strand, the complement: DCTN1 is on the minus strand). VCF-style: chr2-74363134-T-C. GRCh37 (hg19) VCF-style: chr2-74590261-T-C.
Other names: c.3314A>G, p.His1105Arg (NM_001135040.3); c.2972A>G, p.His991Arg (NM_001135041.3); c.3263A>G, p.His1088Arg (NM_001190836.2); c.3368A>G, p.His1123Arg (NM_001190837.2); c.3338A>G, p.His1113Arg (NM_001378991.1); c.3320A>G, p.His1107Arg (NM_001378992.1); c.2987A>G, p.His996Arg (NM_023019.4); short protein forms H1088R, H1105R, H1107R, H1113R, H1123R, H1130R, H991R, H996R.
Identifiers: ClinVar variation 3758674 (VCV003758674.2).